The following is an entry in ClinVar:

NM_001367624.2(ZNF469):c.2699C>G (p.Pro900Arg)

Gene: ZNF469 (zinc finger protein 469; plus strand). Cytogenetic location: 16q24.2.
Variant type: single nucleotide variant.
Coding change: c.2699C>G on transcript NM_001367624.2 (MANE Select); coding-DNA position 2699, C replaced by G.
Protein change: p.Pro900Arg; replaces proline 900 with arginine.
Molecular consequence: missense variant.
Genome position (GRCh38, 1-based): chr16:88,430,169, C>G. VCF-style: chr16-88430169-C-G. GRCh37 (hg19) VCF-style: chr16-88496577-C-G.
Other names: short protein forms P900R.
Identifiers: ClinVar variation 126939 (VCV000126939.2), dbSNP rs273585618, ClinGen allele CA151317.

ClinVar aggregate classification (germline): Pathogenic (0 of 4 stars; one submission).

Conditions:
Keratoconus 1 (KTCN1). Identifiers: MedGen C1835677, MONDO:0007851, OMIM 148300.

gnomAD v4.1: 1 of 1,548,864 alleles (0.000065%); highest among the groups gnomAD compares: Non-Finnish European, 0.000087%; no homozygotes.

Submission:

Willoughby Group, Queen's University Belfast
Classification: Pathogenic for Keratoconus 1. Review status: no assertion criteria provided. Collection method: not provided. Allele origin: germline.
ClinVar note: Converted during submission from pathogenic to Pathogenic.